The following is an entry in ClinVar:

ClinVar aggregate classification (germline): Likely benign (1 of 4 stars; one submission).

Submission:

CeGaT Center for Human Genetics Tuebingen
Classification: Likely benign. Last evaluated: 2025-03-01. Review status: criteria provided, single submitter. Criteria: CeGaT Center For Human Genetics Tuebingen Variant Classification Criteria Version 2. Collection method: clinical testing. Allele origin: germline. Affected: yes. Observed: 1 variant allele.
Comment: NDUFB11: PM2:Supporting, BP4, BP7

NM_001135998.3(NDUFB11):c.13C>T (p.Leu5=)

Gene: NDUFB11 (NADH:ubiquinone oxidoreductase subunit B11; minus strand). Cytogenetic location: Xp11.3.
Variant type: single nucleotide variant.
Coding change: c.13C>T on transcript NM_001135998.3 (MANE Select); coding-DNA position 13, C replaced by T.
Protein change: p.Leu5=; no amino-acid change (leucine 5 retained).
Molecular consequence: synonymous variant.
Genome position (GRCh38, 1-based): chrX:47,144,667, G>A on the plus strand (C>T on the coding strand, the complement: NDUFB11 is on the minus strand). VCF-style: chrX-47144667-G-A. GRCh37 (hg19) VCF-style: chrX-47004066-G-A.
Other names: c.13C>T, p.Leu5= (NM_019056.7).
Identifiers: ClinVar variation 3778579 (VCV003778579.7).
Genomic context (GRCh38, chrX:47,144,667, plus strand): 5'-CGGCCGGGAGCCCTCGCGTCGCCGCTGCCGCCAAAAGACGGCGAGCGCTCAAACCAAACA[G>A]CCCAGCCGCCATGACAGATGGTGCTGCAGGGTCTCAGGGGCGGGGAAAGAAATGCGACTG-3'
Protein context (NP_001129470.1, residues 1-15): MAAG[Leu5=]FGLSARRLLA